The following is an entry in ClinVar:

ClinVar aggregate classification (germline): Likely pathogenic (1 of 4 stars; one submission).

Submission:

GeneDx
Classification: Likely pathogenic. Last evaluated: 2017-12-05. Review status: criteria provided, single submitter. Criteria: GeneDx Variant Classification (06012015). Collection method: clinical testing. Allele origin: germline. Affected: yes.
Comment: The Y422X variant in the COL9A1 gene has not been reported previously as a pathogenic variant nor as a benign variant, to our knowledge. This variant is predicted to cause loss of normal protein function either through protein truncation or nonsense-mediated mRNA decay. The Y422X variant is not observed in large population cohorts (Lek et al., 2016). We interpret Y422X as a likely pathogenic variant.

NM_001851.6(COL9A1):c.1266T>A (p.Tyr422Ter)

Gene: COL9A1 (collagen type IX alpha 1 chain; minus strand). Cytogenetic location: 6q13.
Variant type: single nucleotide variant.
Coding change: c.1266T>A on transcript NM_001851.6 (MANE Select); coding-DNA position 1266, T replaced by A.
Protein change: p.Tyr422Ter; replaces tyrosine 422 with a stop codon.
Molecular consequence: nonsense. On other transcripts: non-coding transcript variant (1).
Genome position (GRCh38, 1-based): chr6:70,268,825, A>T on the plus strand (T>A on the coding strand, the complement: COL9A1 is on the minus strand). VCF-style: chr6-70268825-A-T. GRCh37 (hg19) VCF-style: chr6-70978528-A-T.
Other names: c.537T>A, p.Tyr179Ter (NM_001377289.1, NM_001377290.1, NM_078485.4); short protein forms Y422*, Y179*.
Identifiers: ClinVar variation 488687 (VCV000488687.2), dbSNP rs868122313, ClinGen allele CA140878528.